The following is an entry in ClinVar:

ClinVar aggregate classification (germline): Uncertain significance (1 of 4 stars; one submission).

Conditions:
Deficiency of adenosine deaminase 2. Also called: Adenosine Deaminase 2 Deficiency; VASCULITIS, AUTOINFLAMMATION, IMMUNODEFICIENCY, AND HEMATOLOGIC DEFECTS SYNDROME; Polyarteritis nodosa, childhoood-onset. Identifiers: Orphanet 404553, MedGen C3887654, MONDO:0014306, OMIM 615688, MONDO:0100317.

Allele frequency attached by ClinVar (database versions not stated): ExAC 0.00001.
gnomAD v4.1: 3 of 1,614,062 alleles (0.00019%); highest among the groups gnomAD compares: South Asian, 0.0011%; no homozygotes.

Submission:

Labcorp Genetics (formerly Invitae), Labcorp
Classification: Uncertain significance for Deficiency of adenosine deaminase 2. Last evaluated: 2022-10-17. Review status: criteria provided, single submitter. Criteria: Invitae Variant Classification Sherloc (09022015). Collection method: clinical testing. Allele origin: germline.
Comment: In summary, the available evidence is currently insufficient to determine the role of this variant in disease. Therefore, it has been classified as a Variant of Uncertain Significance. Advanced modeling of protein sequence and biophysical properties (such as structural, functional, and spatial information, amino acid conservation, physicochemical variation, residue mobility, and thermodynamic stability) has been performed at Invitae for this missense variant, however the output from this modeling did not meet the statistical confidence thresholds required to predict the impact of this variant on ADA2 protein function. This variant has not been reported in the literature in individuals affected with ADA2-related conditions. This variant is present in population databases (rs767960747, gnomAD 0.006%). This sequence change replaces arginine, which is basic and polar, with proline, which is neutral and non-polar, at codon 34 of the ADA2 protein (p.Arg34Pro).

NM_001282225.2(ADA2):c.101G>C (p.Arg34Pro)

Gene: ADA2 (adenosine deaminase 2; minus strand). Cytogenetic location: 22q11.1.
Variant type: single nucleotide variant.
Coding change: c.101G>C on transcript NM_001282225.2 (MANE Select); coding-DNA position 101, G replaced by C.
Protein change: p.Arg34Pro; replaces arginine 34 with proline.
Molecular consequence: missense variant. On other transcripts: 5 prime UTR variant (2), intron variant (1).
Genome position (GRCh38, 1-based): chr22:17,209,577, C>G on the plus strand (G>C on the coding strand, the complement: ADA2 is on the minus strand). VCF-style: chr22-17209577-C-G. GRCh37 (hg19) VCF-style: chr22-17690467-C-G.
Other names: c.101G>C, p.Arg34Pro (NM_001282226.2); c.-26G>C (NM_001282227.2, NM_001282228.2); c.-38-2287G>C (NM_001282229.2); short protein forms R34P.
Identifiers: ClinVar variation 1995119 (VCV001995119.4), dbSNP rs767960747, ClinGen allele CA10088335.